The following is an entry in ClinVar:

NM_004993.6(ATXN3):c.916_917insC (p.Gly306fs)

Gene: ATXN3 (ataxin 3; minus strand). Cytogenetic location: 14q32.12.
Variant type: Insertion.
Coding change: c.916_917insC on transcript NM_004993.6 (MANE Select); coding-DNA positions 916 to 917, C inserted.
Protein change: p.Gly306fs; shifts the reading frame from glycine 306.
Molecular consequence: frameshift variant. On other transcripts: non-coding transcript variant (19).
Genome position: GRCh38 VCF-style: chr14-92071009-C-CG. GRCh37 (hg19) VCF-style: chr14-92537353-C-CG.
Other names: c.871_872insC, p.Gly291fs (NM_001127696.2); c.763_764insC, p.Gly255fs (NM_001127697.3); c.233_234insC, p.Pro80fs (NM_001164774.2); c.278_279insC, p.Pro95fs (NM_001164776.2); c.113_114insC, p.Pro40fs (NM_001164777.2); c.431_432insC, p.Pro146fs (NM_001164778.2); c.553_554insC, p.Gly185fs (NM_001164779.2); c.379_380insC, p.Gly127fs (NM_001164780.2); and 3 more; short protein forms G127fs, G185fs, G255fs, P25fs, P40fs, G251fs, P95fs, G291fs.
Identifiers: ClinVar variation 402402 (VCV000402402.13), dbSNP rs763461489, ClinGen allele CA7314409.

ClinVar aggregate classification (germline): Conflicting classifications of pathogenicity. Review status: criteria provided, conflicting classifications (1 of 4 stars). 8 submissions from 8 submitters: Uncertain significance (3); Benign (1). 4 of the submissions do not count toward it. Last evaluated 2025-02-16.

Conditions:
Azorean disease (MJD). Also called: Machado-Joseph disease; AZOREAN NEUROLOGIC DISEASE; Spinocerebellar Ataxia Type 3; NIGROSPINODENTATAL DEGENERATION; SPINOCEREBELLAR ATROPHY III; SPINOPONTINE ATROPHY. Identifiers: Orphanet 98757, MedGen C0024408, MONDO:0007182, OMIM 109150.
ATXN3-related disorder. Also called: ATXN3-related condition.

Submissions (8):

Laboratory of Genetics, Children's Clinical University Hospital Latvia
Classification: Benign. Last evaluated: 2025-02-16. Review status: criteria provided, single submitter. Criteria: ACMG Guidelines, 2015. Collection method: clinical testing. Allele origin: germline. Affected: yes.

Department of Pathology and Laboratory Medicine, Sinai Health System
Classification: Uncertain significance for Machado-Joseph disease. Last evaluated: 2022-01-20. Review status: criteria provided, single submitter. Criteria: ACMG Guidelines, 2015. Collection method: research. Allele origin: germline.

Laboratory for Molecular Medicine, Mass General Brigham Personalized Medicine
Classification: Uncertain significance. Last evaluated: 2016-03-29. Review status: criteria provided, single submitter. Criteria: LMM Criteria. Collection method: clinical testing. Allele origin: germline.
Comment: Variant identified in a genome or exome case(s) and assessed due to predicted null impact of the variant or pathogenic assertions in the literature or databases. Disclaimer: This variant has not undergone full assessment. The following are preliminary notes: Repeat expansion in gene is associated with Machado-Joseph disease.

Breakthrough Genomics
Classification: Uncertain significance. Review status: criteria provided, single submitter. Criteria: ACMG Guidelines, 2015. Collection method: not provided. Allele origin: germline. Inheritance: Autosomal dominant inheritance. Affected: yes.

PreventionGenetics, part of Exact Sciences
Classification: Benign for ATXN3-related condition. Last evaluated: 2019-11-04. Review status: no assertion criteria provided. Collection method: clinical testing. Allele origin: germline. Not counted in ClinVar's aggregate classification.
Comment: This variant is classified as benign based on ACMG/AMP sequence variant interpretation guidelines (Richards et al. 2015 PMID: 25741868, with internal and published modifications).

Clinical Genetics DNA and cytogenetics Diagnostics Lab, Erasmus MC, Erasmus Medical Center
Classification: Benign. Review status: no assertion criteria provided. Collection method: clinical testing. Allele origin: germline. Affected: yes. Study: VKGL Data-share Consensus. Not counted in ClinVar's aggregate classification.

Genome Diagnostics Laboratory, Amsterdam University Medical Center
Classification: Benign. Review status: no assertion criteria provided. Collection method: clinical testing. Allele origin: germline. Affected: yes. Study: VKGL Data-share Consensus. Not counted in ClinVar's aggregate classification.

Genome Diagnostics Laboratory, University Medical Center Utrecht
Classification: Benign. Review status: no assertion criteria provided. Collection method: clinical testing. Allele origin: germline. Affected: yes. Study: VKGL Data-share Consensus. Not counted in ClinVar's aggregate classification.